The following is an entry in ClinVar:

NM_002890.3(RASA1):c.1279C>T (p.Arg427Ter)

Genes: CCNH (cyclin H; minus strand), RASA1 (RAS p21 protein activator 1; plus strand). Cytogenetic location: 5q14.3.
Variant type: single nucleotide variant.
Coding change: c.1279C>T on transcript NM_002890.3 (MANE Select); coding-DNA position 1279, C replaced by T.
Protein change: p.Arg427Ter; replaces arginine 427 with a stop codon.
Molecular consequence: nonsense. On other transcripts: intron variant (1).
Genome position (GRCh38, 1-based): chr5:87,353,182, C>T. VCF-style: chr5-87353182-C-T. GRCh37 (hg19) VCF-style: chr5-86648999-C-T.
Other names: c.748C>T, p.Arg250Ter (NM_022650.3); c.934-40387G>A (NM_001364075.2); short protein forms R250*, R427*.
Identifiers: ClinVar variation 618858 (VCV000618858.19), dbSNP rs975191415, ClinGen allele CA360365076.
Genomic context (GRCh38, chr5:87,353,182, plus strand): 5'-AGACAGATTAATACTAGAAATTTTTATTTTAACAGCATTGGGGACATCATAGATCACTAT[C>T]GAAAAGAACAGATTGTTGAAGGATATTATCTTAAGGAACCTGTACCAATGCAGGTCAGTG-3'

ClinVar aggregate classification (germline): Pathogenic. Review status: criteria provided, multiple submitters, no conflicts (2 of 4 stars). 3 submissions from 3 submitters: Pathogenic (3). Last evaluated 2026-10-13.

Conditions:
Capillary malformation-arteriovenous malformation syndrome. Also called: Capillary malformation-arteriovenous malformation. Identifiers: Orphanet 137667, MedGen C1842180, MONDO:0012016.

Submissions (3):

GeneDx
Classification: Pathogenic. Last evaluated: 2026-10-13. Review status: criteria provided, single submitter. Criteria: GeneDx Variant Classification Process June 2021. Collection method: clinical testing. Allele origin: germline.
Comment: Nonsense variant predicted to result in protein truncation or nonsense mediated decay in a gene for which loss of function is a known mechanism of disease; Not observed at significant frequency in large population cohorts (gnomAD); Reported in ClinVar as a pathogenic variant (ClinVar Variant ID# 618858; ClinVar); This variant is associated with the following publications: (PMID: 25525159, 18446851, 14627680, 29891884, 30819650, 26499346, 37978175)

Labcorp Genetics (formerly Invitae), Labcorp
Classification: Pathogenic for Capillary malformation-arteriovenous malformation syndrome. Last evaluated: 2023-06-15. Review status: criteria provided, single submitter. Criteria: Invitae Variant Classification Sherloc (09022015). Collection method: clinical testing. Allele origin: germline.
Comment: For these reasons, this variant has been classified as Pathogenic. This sequence change creates a premature translational stop signal (p.Arg427*) in the RASA1 gene. It is expected to result in an absent or disrupted protein product. Loss-of-function variants in RASA1 are known to be pathogenic (PMID: 24038909). This variant is not present in population databases (gnomAD no frequency). This premature translational stop signal has been observed in individual(s) with capillary malformation-arteriovenous malformation (PMID: 18446851, 26499346, 29891884). ClinVar contains an entry for this variant (Variation ID: 618858).

ARUP Laboratories, Molecular Genetics and Genomics, ARUP Laboratories
Classification: Pathogenic. Last evaluated: 2017-05-09. Review status: criteria provided, single submitter. Criteria: ARUP Molecular Germline Variant Investigation Process. Collection method: clinical testing. Allele origin: germline.
Comment: The p.Arg427Ter variant induces a premature termination codon and is predicted to result in a truncated protein or absent transcript. Additionally, it has been previously reported in two families with capillary malformations (Revencu 2008), and has not been observed in the general population databases (1000 Genomes Project, Exome Variant Server, Genome Aggregation Database). Therefore, we consider this variant to be pathogenic. References: Revencu N et al. (2008) Parkes Weber syndrome, vein of Galen aneurysmal malformation, and other fast-flow vascular anomalies are caused by RASA1 mutations. Hum Mutat. 29(7):959-65.

Literature cited by the submitters: PubMed 24038909 (cited by Labcorp Genetics (formerly Invitae), Labcorp); PubMed 18446851 (cited by Labcorp Genetics (formerly Invitae), Labcorp); PubMed 26499346 (cited by Labcorp Genetics (formerly Invitae), Labcorp); PubMed 29891884 (cited by Labcorp Genetics (formerly Invitae), Labcorp).